The following is an entry in ClinVar:

NM_016507.4(CDK12):c.1762A>T (p.Thr588Ser)

Gene: CDK12 (cyclin dependent kinase 12; plus strand). Cytogenetic location: 17q12.
Variant type: single nucleotide variant.
Coding change: c.1762A>T on transcript NM_016507.4 (MANE Select); coding-DNA position 1762, A replaced by T.
Protein change: p.Thr588Ser; replaces threonine 588 with serine.
Molecular consequence: missense variant.
Genome position (GRCh38, 1-based): chr17:39,471,594, A>T. VCF-style: chr17-39471594-A-T. GRCh37 (hg19) VCF-style: chr17-37627847-A-T.
Other names: c.1762A>T, p.Thr588Ser (NM_015083.4); short protein forms T588S.
Identifiers: ClinVar variation 4844502 (VCV004844502.1).

ClinVar aggregate classification (germline): Uncertain significance (1 of 4 stars; one submission).

gnomAD v4.1: 2 of 1,613,954 alleles (0.00012%); highest among the groups gnomAD compares: African/African-American, 0.0027%; no homozygotes.

Submission:

Ambry Genetics
Classification: Uncertain significance. Last evaluated: 2026-02-15. Review status: criteria provided, single submitter. Criteria: Ambry Variant Classification Scheme 2023. Collection method: clinical testing. Allele origin: germline.
Comment: The p.T588S variant (also known as c.1762A>T), located in coding exon 2 of the CDK12 gene, results from an A to T substitution at nucleotide position 1762. The threonine at codon 588 is replaced by serine, an amino acid with similar properties. This amino acid position is conserved. In addition, this alteration is predicted to be tolerated by in silico analysis. Based on the available evidence, the clinical significance of this variant remains unclear.